The following is an entry in ClinVar:

NM_005585.5(SMAD6):c.900C>A (p.Tyr300Ter)

Gene: SMAD6 (SMAD family member 6; plus strand). Cytogenetic location: 15q22.31.
Variant type: single nucleotide variant.
Coding change: c.900C>A on transcript NM_005585.5 (MANE Select); coding-DNA position 900, C replaced by A.
Protein change: p.Tyr300Ter; replaces tyrosine 300 with a stop codon.
Molecular consequence: nonsense. On other transcripts: non-coding transcript variant (1).
Genome position (GRCh38, 1-based): chr15:66,716,446, C>A. VCF-style: chr15-66716446-C-A. GRCh37 (hg19) VCF-style: chr15-67008784-C-A.
Other names: short protein forms Y300*.
Identifiers: ClinVar variation 690409 (VCV000690409.3), dbSNP rs767259025, ClinGen allele CA7626641.
Genomic context (GRCh38, chr15:66,716,446, plus strand): 5'-GGCCAACTAAGTTCTCTTTTTCTTTCCTCCCACAGATCTGTCCGATTCCACATTGTCTTA[C>A]ACTGAAACGGAGGCTACCAACTCCCTCATCACTGCTCCGGGTGAATTCTCAGGTCAGCAT-3'

ClinVar aggregate classification (germline): Uncertain significance. Review status: criteria provided, single submitter (1 of 4 stars). 2 submissions from 2 submitters: Uncertain significance (1). 1 of the submissions does not count toward it. Last evaluated 2025-10-02.

Conditions:
Radioulnar synostosis. Also called: Congenital radioulnar synostosis. Identifiers: Orphanet 3269, MedGen C0158761, MONDO:0017985, HP:0002974.
Aortic valve disease 2 (AOVD2). Identifiers: MedGen C3542024, MONDO:0013902, OMIM 614823.

Allele frequency attached by ClinVar (database versions not stated): gnomAD exomes below 0.00001; ExAC 0.00001.
gnomAD v4.1: 6 of 1,613,708 alleles (0.00037%); highest among the groups gnomAD compares: African/African-American, 0.0013%; no homozygotes.

Submissions (2):

Labcorp Genetics (formerly Invitae), Labcorp
Classification: Uncertain significance for Aortic valve disease 2. Last evaluated: 2025-10-02. Review status: criteria provided, single submitter. Criteria: Invitae Variant Classification Sherloc (09022015). Collection method: clinical testing. Allele origin: germline.
Comment: This sequence change creates a premature translational stop signal (p.Tyr300*) in the SMAD6 gene. It is expected to result in an absent or disrupted protein product. However, the current clinical and genetic evidence is not sufficient to establish whether loss-of-function variants in SMAD6 cause disease. This variant is present in population databases (rs767259025, gnomAD 0.0009%). This premature translational stop signal has been observed in individual(s) with nonsyndromic radioulnar synostosis (PMID: 31138930). ClinVar contains an entry for this variant (Variation ID: 690409). In summary, the available evidence is currently insufficient to determine the role of this variant in disease. Therefore, it has been classified as a Variant of Uncertain Significance.

The Laboratory of Genetics and Metabolism, Hunan Children’s Hospital
Classification: Uncertain significance for radioulnar synostosis. Last evaluated: 2019-05-14. Review status: no assertion criteria provided. Collection method: case-control. Allele origin: unknown. Affected: yes. Not counted in ClinVar's aggregate classification.
Comment: PVS1, PP3, PP4

Literature cited by the submitters: PubMed 31138930 (cited by Labcorp Genetics (formerly Invitae), Labcorp).